The following is an entry in ClinVar:

ClinVar aggregate classification (germline): Uncertain significance (1 of 4 stars; one submission).

Submission:

Labcorp Genetics (formerly Invitae), Labcorp
Classification: Uncertain significance. Last evaluated: 2026-01-05. Review status: criteria provided, single submitter. Criteria: Invitae Variant Classification Sherloc (09022015). Collection method: clinical testing. Allele origin: germline.
Comment: This sequence change replaces threonine, which is neutral and polar, with alanine, which is neutral and non-polar, at codon 1291 of the VCAN protein (p.Thr1291Ala). This variant is not present in population databases (gnomAD no frequency). This variant has not been reported in the literature in individuals affected with VCAN-related conditions. ClinVar contains an entry for this variant (Variation ID: 2131933). An algorithm developed to predict the effect of missense changes on protein structure and function outputs the following: PolyPhen-2: "Benign". The alanine amino acid residue is found in multiple mammalian species, which suggests that this missense change does not adversely affect protein function. In summary, the available evidence is currently insufficient to determine the role of this variant in disease. Therefore, it has been classified as a Variant of Uncertain Significance.

NM_004385.5(VCAN):c.3871A>G (p.Thr1291Ala)

Gene: VCAN (versican; plus strand). Cytogenetic location: 5q14.3.
Variant type: single nucleotide variant.
Coding change: c.3871A>G on transcript NM_004385.5 (MANE Select); coding-DNA position 3871, A replaced by G.
Protein change: p.Thr1291Ala; replaces threonine 1291 with alanine.
Molecular consequence: missense variant. On other transcripts: intron variant (2).
Genome position (GRCh38, 1-based): chr5:83,522,177, A>G. VCF-style: chr5-83522177-A-G. GRCh37 (hg19) VCF-style: chr5-82817996-A-G.
Other names: c.3871A>G, p.Thr1291Ala (NM_001164098.2); c.1042+9781A>G (NM_001164097.2, NM_001126336.3); short protein forms T1291A.
Identifiers: ClinVar variation 2131933 (VCV002131933.4), dbSNP rs947364698, ClinGen allele CA360306987.